The following is an entry in ClinVar:

NM_000187.4(HGD):c.433A>T (p.Arg145Ter)

Gene: HGD (homogentisate 1,2-dioxygenase; minus strand). Cytogenetic location: 3q13.33.
Variant type: single nucleotide variant.
Coding change: c.433A>T on transcript NM_000187.4 (MANE Select); coding-DNA position 433, A replaced by T.
Protein change: p.Arg145Ter; replaces arginine 145 with a stop codon.
Molecular consequence: nonsense.
Genome position (GRCh38, 1-based): chr3:120,650,775, T>A on the plus strand (A>T on the coding strand, the complement: HGD is on the minus strand). VCF-style: chr3-120650775-T-A. GRCh37 (hg19) VCF-style: chr3-120369622-T-A.
Other names: short protein forms R145*.
Identifiers: ClinVar variation 2584708 (VCV002584708.2), dbSNP rs2472716150, ClinGen allele CA354077969.

ClinVar aggregate classification (germline): Pathogenic (0 of 4 stars; one submission).

Conditions:
Alkaptonuria (AKU). Also called: Alkaptonuric ochronosis; Homogentisic acidura; HOMOGENTISIC ACID OXIDASE DEFICIENCY; Alcaptonuria. Identifiers: Orphanet 56, MedGen C0002066, MONDO:0008753, OMIM 203500.

Submission:

Department Of Human Genetics, Institute Of Clinical And Translational Research, Biomedical Research Center, Slovak Academy Of Sciences
Classification: Pathogenic for Alkaptonuria. Review status: no assertion criteria provided. Collection method: research. Allele origin: germline. Inheritance: Autosomal recessive inheritance. Affected: yes. Observed: 1 variant allele.
Comment: The variant was originally described in PMID:12501223. It has been submitted to the HGD gene mutation database (DB-ID: AKU_00039).

Literature cited by the submitters: PubMed 12501223.